The following is an entry in ClinVar:

NM_000094.4(COL7A1):c.5988C>T (p.Ile1996=)

Gene: COL7A1 (collagen type VII alpha 1 chain; minus strand). Cytogenetic location: 3p21.31.
Variant type: single nucleotide variant.
Coding change: c.5988C>T on transcript NM_000094.4 (MANE Select); coding-DNA position 5988, C replaced by T.
Protein change: p.Ile1996=; no amino-acid change (isoleucine 1996 retained).
Molecular consequence: synonymous variant.
Genome position (GRCh38, 1-based): chr3:48,575,531, G>A on the plus strand (C>T on the coding strand, the complement: COL7A1 is on the minus strand). VCF-style: chr3-48575531-G-A. GRCh37 (hg19) VCF-style: chr3-48612964-G-A.
Identifiers: ClinVar variation 345826 (VCV000345826.44), dbSNP rs146901730, ClinGen allele CA2379218.

ClinVar aggregate classification (germline): Benign/Likely benign. Review status: criteria provided, multiple submitters, no conflicts (2 of 4 stars). 8 submissions from 8 submitters: Benign (1); Likely benign (4). 3 of the submissions do not count toward it. Last evaluated 2026-02-04.

Conditions:
Epidermolysis bullosa dystrophica inversa, autosomal recessive. Identifiers: MedGen C2673612.
Epidermolysis bullosa dystrophica. Also called: Dystrophic epidermolysis bullosa, Hallopeau-Siemens type (formerly); Dystrophic epidermolysis bullosa. Identifiers: Orphanet 303, MedGen C0079294, MONDO:0006543.

Allele frequency attached by ClinVar (database versions not stated): 1000 Genomes Project 30x 0.00031; 1000 Genomes Project 0.00040; TOPMed 0.00202; gnomAD 0.00210 and 0.00220; gnomAD exomes 0.00236 and 0.00272; ExAC 0.00242; ESP Exome Variant Server 0.00246.
gnomAD v4.1: 4,264 of 1,612,738 alleles (0.26%); highest among the groups gnomAD compares: Non-Finnish European, 0.3%; 11 homozygotes.

Submissions (8):

Labcorp Genetics (formerly Invitae), Labcorp
Classification: Benign. Last evaluated: 2026-02-04. Review status: criteria provided, single submitter. Criteria: Invitae Variant Classification Sherloc (09022015). Collection method: clinical testing. Allele origin: germline.

CeGaT Center for Human Genetics Tuebingen
Classification: Likely benign. Last evaluated: 2025-10-01. Review status: criteria provided, single submitter. Criteria: CeGaT Center For Human Genetics Tuebingen Variant Classification Criteria Version 2. Collection method: clinical testing. Allele origin: germline. Affected: yes. Observed: 5 variant alleles.
Comment: COL7A1: BP4, BP7

Blueprint Genetics
Classification: Likely benign. Last evaluated: 2024-11-24. Review status: criteria provided, single submitter. Criteria: ACMG Guidelines, 2015. Collection method: clinical testing. Allele origin: germline.

Illumina Laboratory Services, Illumina
Classification: Likely benign for Dystrophic epidermolysis bullosa. Last evaluated: 2018-01-13. Review status: criteria provided, single submitter. Criteria: ICSL Variant Classification Criteria 13 December 2019. Collection method: clinical testing. Allele origin: germline.
Comment: This variant was observed in the ICSL laboratory as part of a predisposition screen in an ostensibly healthy population. It had not been previously curated by ICSL or reported in the Human Gene Mutation Database (HGMD: prior to June 1st, 2018), and was therefore a candidate for classification through an automated scoring system. Utilizing variant allele frequency, disease prevalence and penetrance estimates, and inheritance mode, an automated score was calculated to assess if this variant is too frequent to cause the disease. Based on the score and internal cut-off values, a variant classified as likely benign is not then subjected to further curation. The score for this variant resulted in a classification of likely benign for this disease.

Breakthrough Genomics
Classification: Likely benign. Review status: criteria provided, single submitter. Criteria: ACMG Guidelines, 2015. Collection method: not provided. Allele origin: germline. Inheritance: Autosomal recessive inheritance. Affected: yes.

Natera, Inc.
Classification: Benign for Autosomal recessive epidermolysis bullosa dystrophica inversa. Last evaluated: 2020-01-03. Review status: no assertion criteria provided. Collection method: clinical testing. Allele origin: germline. Not counted in ClinVar's aggregate classification.

Genome Diagnostics Laboratory, Amsterdam University Medical Center
Classification: Likely benign. Review status: no assertion criteria provided. Collection method: clinical testing. Allele origin: germline. Affected: yes. Study: VKGL Data-share Consensus. Not counted in ClinVar's aggregate classification.

Joint Genome Diagnostic Labs from Nijmegen and Maastricht, Radboudumc and MUMC+
Classification: Benign. Review status: no assertion criteria provided. Collection method: clinical testing. Allele origin: germline. Affected: yes. Study: VKGL Data-share Consensus. Not counted in ClinVar's aggregate classification.